The following is an entry in ClinVar:

NM_182961.4(SYNE1):c.20817T>A (p.Asn6939Lys)

Gene: SYNE1 (spectrin repeat containing nuclear envelope protein 1; minus strand). Cytogenetic location: 6q25.2.
Variant type: single nucleotide variant.
Coding change: c.20817T>A on transcript NM_182961.4 (MANE Select); coding-DNA position 20817, T replaced by A.
Protein change: p.Asn6939Lys; replaces asparagine 6939 with lysine.
Molecular consequence: missense variant.
Genome position (GRCh38, 1-based): chr6:152,232,161, A>T on the plus strand (T>A on the coding strand, the complement: SYNE1 is on the minus strand). VCF-style: chr6-152232161-A-T. GRCh37 (hg19) VCF-style: chr6-152553296-A-T.
Other names: c.20604T>A, p.Asn6868Lys (NM_033071.5); short protein forms N6939K, N6868K.
Identifiers: ClinVar variation 2934924 (VCV002934924.3), dbSNP rs2551647432, ClinGen allele CA366115816.

ClinVar aggregate classification (germline): Uncertain significance (1 of 4 stars; one submission).

Conditions:
Emery-Dreifuss muscular dystrophy 4, autosomal dominant (EDMD4). Also called: EMERY-DREIFUSS MUSCULAR DYSTROPHY 4 WITH VARIABLE FEATURES. Identifiers: Orphanet 261, MedGen C2751807, MONDO:0013071, OMIM 612998.
Autosomal recessive ataxia, Beauce type. Also called: Spinocerebellar ataxia, autosomal recessive 8; ATAXIA, RECESSIVE, OF BEAUCE; SYNE1-Related Autosomal Recessive Cerebellar Ataxia; SYNE1 Deficiency. Identifiers: Orphanet 88644, MedGen C1853116, MONDO:0012549, OMIM 610743.

Submission:

Labcorp Genetics (formerly Invitae), Labcorp
Classification: Uncertain significance for Emery-Dreifuss muscular dystrophy 4, autosomal dominant; Autosomal recessive ataxia, Beauce type. Last evaluated: 2023-01-12. Review status: criteria provided, single submitter. Criteria: Invitae Variant Classification Sherloc (09022015). Collection method: clinical testing. Allele origin: germline.
Comment: In summary, the available evidence is currently insufficient to determine the role of this variant in disease. Therefore, it has been classified as a Variant of Uncertain Significance. This sequence change replaces asparagine, which is neutral and polar, with lysine, which is basic and polar, at codon 6868 of the SYNE1 protein (p.Asn6868Lys). This variant is not present in population databases (gnomAD no frequency). This variant has not been reported in the literature in individuals affected with SYNE1-related conditions. Algorithms developed to predict the effect of missense changes on protein structure and function are either unavailable or do not agree on the potential impact of this missense change (SIFT: "Deleterious"; PolyPhen-2: "Benign"; Align-GVGD: "Class C65").